The following is an entry in ClinVar:

ClinVar aggregate classification (germline): Uncertain significance (1 of 4 stars; one submission).

Submission:

Labcorp Genetics (formerly Invitae), Labcorp
Classification: Uncertain significance. Last evaluated: 2024-02-07. Review status: criteria provided, single submitter. Criteria: Invitae Variant Classification Sherloc (09022015). Collection method: clinical testing. Allele origin: germline.
Comment: This sequence change replaces valine, which is neutral and non-polar, with isoleucine, which is neutral and non-polar, at codon 909 of the CLTC protein (p.Val909Ile). This variant is not present in population databases (gnomAD no frequency). This variant has not been reported in the literature in individuals affected with CLTC-related conditions. ClinVar contains an entry for this variant (Variation ID: 1444026). Advanced modeling of protein sequence and biophysical properties (such as structural, functional, and spatial information, amino acid conservation, physicochemical variation, residue mobility, and thermodynamic stability) performed at Invitae indicates that this missense variant is not expected to disrupt CLTC protein function with a negative predictive value of 80%. In summary, the available evidence is currently insufficient to determine the role of this variant in disease. Therefore, it has been classified as a Variant of Uncertain Significance.

NM_004859.4(CLTC):c.2713G>A (p.Val905Ile)

Gene: CLTC (clathrin heavy chain; plus strand). Cytogenetic location: 17q23.1.
Variant type: single nucleotide variant.
Coding change: c.2713G>A on transcript NM_004859.4 (MANE Select); coding-DNA position 2713, G replaced by A.
Protein change: p.Val905Ile; replaces valine 905 with isoleucine.
Molecular consequence: missense variant.
Genome position (GRCh38, 1-based): chr17:59,677,105, G>A. VCF-style: chr17-59677105-G-A. GRCh37 (hg19) VCF-style: chr17-57754466-G-A.
Other names: c.2725G>A, p.Val909Ile (NM_001288653.2); short protein forms V905I, V909I.
Identifiers: ClinVar variation 1444026 (VCV001444026.6), dbSNP rs2143580785, ClinGen allele CA400415987.